The following is an entry in ClinVar:

ClinVar aggregate classification (germline): Uncertain significance. Review status: criteria provided, multiple submitters, no conflicts (2 of 4 stars). 2 submissions from 2 submitters: Uncertain significance (2). Last evaluated 2024-12-06.

Conditions:
Neuronal ceroid lipofuscinosis. Also called: Neuronal Ceroid Lipofuscinoses. Identifiers: Orphanet 216, Orphanet 79263, MedGen C0027877, MONDO:0016295. Disease mechanism: loss of function.
Inborn genetic diseases. Identifiers: MedGen C0950123, MeSH D030342.

Allele frequency attached by ClinVar (database versions not stated): gnomAD exomes below 0.00001; gnomAD 0.00002; TOPMed 0.00003.
gnomAD v4.1: 5 of 1,613,344 alleles (0.00031%); highest among the groups gnomAD compares: African/African-American, 0.0053%; no homozygotes.

Submissions (2):

Ambry Genetics
Classification: Uncertain significance for Inborn genetic diseases. Last evaluated: 2024-12-06. Review status: criteria provided, single submitter. Criteria: Ambry Variant Classification Scheme 2023. Collection method: clinical testing. Allele origin: germline.

Labcorp Genetics (formerly Invitae), Labcorp
Classification: Uncertain significance for Neuronal ceroid lipofuscinosis. Last evaluated: 2022-04-13. Review status: criteria provided, single submitter. Criteria: Invitae Variant Classification Sherloc (09022015). Collection method: clinical testing. Allele origin: germline.
Comment: This sequence change replaces glycine, which is neutral and non-polar, with serine, which is neutral and polar, at codon 170 of the CTSD protein (p.Gly170Ser). This variant is not present in population databases (gnomAD no frequency). This variant has not been reported in the literature in individuals affected with CTSD-related conditions. Algorithms developed to predict the effect of missense changes on protein structure and function output the following: SIFT: "Tolerated"; PolyPhen-2: "Benign"; Align-GVGD: "Class C0". The serine amino acid residue is found in multiple mammalian species, which suggests that this missense change does not adversely affect protein function. In summary, the available evidence is currently insufficient to determine the role of this variant in disease. Therefore, it has been classified as a Variant of Uncertain Significance.

NM_001909.5(CTSD):c.508G>A (p.Gly170Ser)

Gene: CTSD (cathepsin D; minus strand). Cytogenetic location: 11p15.5.
Variant type: single nucleotide variant.
Coding change: c.508G>A on transcript NM_001909.5 (MANE Select); coding-DNA position 508, G replaced by A.
Protein change: p.Gly170Ser; replaces glycine 170 with serine.
Molecular consequence: missense variant.
Genome position (GRCh38, 1-based): chr11:1,757,520, C>T on the plus strand (G>A on the coding strand, the complement: CTSD is on the minus strand). VCF-style: chr11-1757520-C-T. GRCh37 (hg19) VCF-style: chr11-1778750-C-T.
Other names: c.508G>A (NM_001909.4); short protein forms G170S.
Identifiers: ClinVar variation 2083480 (VCV002083480.2), dbSNP rs904430565, ClinGen allele CA216173436.